The following is an entry in ClinVar:

ClinVar aggregate classification (germline): Uncertain significance (1 of 4 stars; one submission).

Submission:

GeneDx
Classification: Uncertain significance. Last evaluated: 2025-08-05. Review status: criteria provided, single submitter. Criteria: GeneDx Variant Classification Process June 2021. Collection method: clinical testing. Allele origin: germline. Affected: yes.
Comment: Not observed at significant frequency in large population cohorts (gnomAD); In silico analysis supports that this missense variant has a deleterious effect on protein structure/function; Has not been previously published as pathogenic or benign to our knowledge

NM_007126.5(VCP):c.1919A>T (p.Asp640Val)

Gene: VCP (valosin containing protein; minus strand). Cytogenetic location: 9p13.3.
Variant type: single nucleotide variant.
Coding change: c.1919A>T on transcript NM_007126.5 (MANE Select); coding-DNA position 1919, A replaced by T.
Protein change: p.Asp640Val; replaces aspartic acid 640 with valine.
Molecular consequence: missense variant.
Genome position (GRCh38, 1-based): chr9:35,059,578, T>A on the plus strand (A>T on the coding strand, the complement: VCP is on the minus strand). VCF-style: chr9-35059578-T-A. GRCh37 (hg19) VCF-style: chr9-35059575-T-A.
Other names: c.1784A>T, p.Asp595Val (NM_001354927.2, NM_001354928.2); short protein forms D595V, D640V.
Identifiers: ClinVar variation 4755778 (VCV004755778.1).